The following is an entry in ClinVar:

NM_002658.6(PLAU):c.*355C>T

Genes: C10orf55 (chromosome 10 putative open reading frame 55; minus strand), PLAU (plasminogen activator, urokinase; plus strand). Cytogenetic location: 10q22.2.
Variant type: single nucleotide variant.
Coding change: c.*355C>T on transcript NM_002658.6 (MANE Select); 355 bases downstream of the stop codon, C replaced by T.
Molecular consequence: 3 prime UTR variant.
Genome position (GRCh38, 1-based): chr10:73,916,920, C>T. VCF-style: chr10-73916920-C-T. GRCh37 (hg19) VCF-style: chr10-75676678-C-T.
Other names: c.*355C>T (NM_001145031.3, NM_001319191.2).
Identifiers: ClinVar variation 300769 (VCV000300769.5), dbSNP rs140559980, ClinGen allele CA10632229.

ClinVar aggregate classification (germline): Benign (1 of 4 stars; one submission).

Conditions:
Quebec platelet disorder (QPD). Also called: FACTOR V QUEBEC; BLEEDING DISORDER, PLATELET-TYPE, 5. Identifiers: Orphanet 220436, MedGen C1866423, MONDO:0011136, OMIM 601709.

Allele frequency attached by ClinVar (database versions not stated): TOPMed 0.00052; gnomAD 0.00056; 1000 Genomes Project 0.00060; 1000 Genomes Project 30x 0.00047; gnomAD exomes 0.00068.

Submission:

Illumina Laboratory Services, Illumina
Classification: Benign for Quebec platelet disorder. Last evaluated: 2018-01-13. Review status: criteria provided, single submitter. Criteria: ICSL Variant Classification Criteria 13 December 2019. Collection method: clinical testing. Allele origin: germline.
Comment: This variant was observed in the ICSL laboratory as part of a predisposition screen in an ostensibly healthy population. It had not been previously curated by ICSL or reported in the Human Gene Mutation Database (HGMD: prior to June 1st, 2018), and was therefore a candidate for classification through an automated scoring system. Utilizing variant allele frequency, disease prevalence and penetrance estimates, and inheritance mode, an automated score was calculated to assess if this variant is too frequent to cause the disease. Based on the score and internal cut-off values, a variant classified as benign is not then subjected to further curation. The score for this variant resulted in a classification of benign for this disease.